The following is an entry in ClinVar:

ClinVar aggregate classification (germline): Conflicting classifications of pathogenicity. Review status: criteria provided, conflicting classifications (1 of 4 stars). 3 submissions from 3 submitters: Uncertain significance (1); Benign (1). 1 of the submissions does not count toward it. Last evaluated 2026-02-04.

Conditions:
Fanconi anemia complementation group I (FANCI). Also called: FANCI-Related Fanconi Anemia. Identifiers: Orphanet 84, MedGen C1836861, MONDO:0012186, OMIM 609053.
Fanconi anemia (FA). Also called: Fanconi's anemia. Identifiers: Orphanet 84, MedGen C0015625, MeSH D005199, MONDO:0019391.
FANCI-related disorder. Also called: FANCI-related condition.

Allele frequency attached by ClinVar (database versions not stated): TOPMed 0.00002; 1000 Genomes Project 30x 0.00078; 1000 Genomes Project 0.00100.
gnomAD v4.1: 239 of 1,614,062 alleles (0.015%); highest among the groups gnomAD compares: South Asian, 0.25%; 3 homozygotes.

Submissions (3):

Labcorp Genetics (formerly Invitae), Labcorp
Classification: Benign for Fanconi anemia. Last evaluated: 2026-02-04. Review status: criteria provided, single submitter. Criteria: Invitae Variant Classification Sherloc (09022015). Collection method: clinical testing. Allele origin: germline.

Illumina Laboratory Services, Illumina
Classification: Uncertain significance for Fanconi anemia complementation group I. Last evaluated: 2018-01-13. Review status: criteria provided, single submitter. Criteria: ICSL Variant Classification Criteria 13 December 2019. Collection method: clinical testing. Allele origin: germline.

PreventionGenetics, part of Exact Sciences
Classification: Likely benign for FANCI-related condition. Last evaluated: 2023-05-19. Review status: no assertion criteria provided. Collection method: clinical testing. Allele origin: germline. Not counted in ClinVar's aggregate classification.
Comment: This variant is classified as likely benign based on ACMG/AMP sequence variant interpretation guidelines (Richards et al. 2015 PMID: 25741868, with internal and published modifications).

NM_001113378.2(FANCI):c.1703A>G (p.His568Arg)

Gene: FANCI (FA complementation group I; plus strand). Cytogenetic location: 15q26.1.
Variant type: single nucleotide variant.
Coding change: c.1703A>G on transcript NM_001113378.2 (MANE Select); coding-DNA position 1703, A replaced by G.
Protein change: p.His568Arg; replaces histidine 568 with arginine.
Molecular consequence: missense variant.
Genome position (GRCh38, 1-based): chr15:89,285,100, A>G. VCF-style: chr15-89285100-A-G. GRCh37 (hg19) VCF-style: chr15-89828331-A-G.
Other names: c.1424A>G, p.His475Arg (NM_001376910.1); c.1703A>G, p.His568Arg (NM_001376911.1, NM_018193.3); short protein forms H568R, H475R.
Identifiers: ClinVar variation 526471 (VCV000526471.17), dbSNP rs555480773, ClinGen allele CA7723130.
Genomic context (GRCh38, chr15:89,285,100, plus strand): 5'-CCTTATTGGAAACAGCTTTGGTAAGATAGACGTGAATTGGCCTGTCTTCCTTTCAGGTTC[A>G]TGTGGATGTTCACAGCCATTACAATTCTGTCGCCAATGAAACTTTTTGCCTTGAGATCAT-3'
Protein context (NP_001106849.1, residues 558-578): CSQSLSVSQV[His568Arg]VDVHSHYNSV